The following is an entry in ClinVar:

NM_001903.5(CTNNA1):c.2224G>A (p.Val742Ile)

Gene: CTNNA1 (catenin alpha 1; plus strand). Cytogenetic location: 5q31.2.
Variant type: single nucleotide variant.
Coding change: c.2224G>A on transcript NM_001903.5 (MANE Select); coding-DNA position 2224, G replaced by A.
Protein change: p.Val742Ile; replaces valine 742 with isoleucine.
Molecular consequence: missense variant.
Genome position (GRCh38, 1-based): chr5:138,930,861, G>A. VCF-style: chr5-138930861-G-A. GRCh37 (hg19) VCF-style: chr5-138266550-G-A.
Other names: c.2224G>A, p.Val742Ile (NM_001290307.3, NM_001323982.2, NM_001323983.1 and 2 more transcripts); c.1915G>A, p.Val639Ile (NM_001290309.3); c.1855G>A, p.Val619Ile (NM_001290310.3); c.1114G>A, p.Val372Ile (NM_001290312.1, NM_001323987.1, NM_001323988.1 and 17 more transcripts); c.2131G>A, p.Val711Ile (NM_001323986.2); c.775G>A, p.Val259Ile (NM_001324006.1, NM_001324007.1, NM_001324008.1 and 2 more transcripts); c.1021G>A, p.Val341Ile (NM_001324011.1); c.871G>A, p.Val291Ile (NM_001324012.1, NM_001324013.1); short protein forms V259I, V291I, V341I, V372I, V619I, V639I, V711I, V742I.
Identifiers: ClinVar variation 4869496 (VCV004869496.1).

ClinVar aggregate classification (germline): Uncertain significance (1 of 4 stars; one submission).

Conditions:
Hereditary cancer-predisposing syndrome. Also called: Neoplastic Syndromes, Hereditary; Tumor predisposition; Hereditary Cancer Syndrome; Hereditary neoplastic syndrome. Identifiers: Orphanet 140162, MedGen C0027672, MeSH D009386, MONDO:0015356.

Submission:

Ambry Genetics
Classification: Uncertain significance for Hereditary cancer-predisposing syndrome. Last evaluated: 2026-06-03. Review status: criteria provided, single submitter. Criteria: Ambry Variant Classification Scheme 2023. Collection method: clinical testing. Allele origin: germline.
Comment: The p.V742I variant (also known as c.2224G>A), located in coding exon 15 of the CTNNA1 gene, results from a G to A substitution at nucleotide position 2224. The valine at codon 742 is replaced by isoleucine, an amino acid with highly similar properties. This amino acid position is conserved. In addition, the in silico prediction for this alteration is inconclusive. Based on the available evidence, the clinical significance of this variant remains unclear.